The following is an entry in ClinVar:

ClinVar aggregate classification (germline): Uncertain significance (1 of 4 stars; one submission).

Submission:

ISCA site 4
Classification: Uncertain significance. Last evaluated: 2011-08-12. Review status: criteria provided, single submitter. Criteria: Kaminsky et al. (Genet Med. 2011). Collection method: clinical testing. Allele origin: de novo. Affected: yes. Observed: 1 variant allele.
Comment: Copy number variation identified through the course of routine clinical cytogenomic testing in postnatal populations. Clinical assertions have been curated as described in Kaminsky et al. 2011.

GRCh38/hg38 16p13.11(chr16:14874998-16034020)x3

Genes: ABCC1 (ATP binding cassette subfamily C member 1 (ABCC1 blood group); plus strand), BMERB1 (bMERB domain containing 1; plus strand), CEP20 (centrosomal protein 20; minus strand), MARF1 (meiosis regulator and mRNA stability factor 1; minus strand), MIR1972-1 (microRNA 1972-1; minus strand) and 37 more. Cytogenetic location: 16p13.11.
Variant type: copy number gain.
Change: copy number 3 (three copies instead of two) of chr16:14,874,998-16,034,020 (1.16 Mb, GRCh38 coordinates, 1-based), cytogenetic band 16p13.11.
Identifiers: ClinVar variation 160961 (VCV000160961.1).